The following is an entry in ClinVar:

ClinVar aggregate classification (germline): Uncertain significance (1 of 4 stars; one submission).

Submission:

Labcorp Genetics (formerly Invitae), Labcorp
Classification: Uncertain significance. Last evaluated: 2024-05-28. Review status: criteria provided, single submitter. Criteria: Invitae Variant Classification Sherloc (09022015). Collection method: clinical testing. Allele origin: germline.
Comment: This sequence change replaces serine, which is neutral and polar, with arginine, which is basic and polar, at codon 1453 of the ASXL1 protein (p.Ser1453Arg). This variant is not present in population databases (gnomAD no frequency). This variant has not been reported in the literature in individuals affected with ASXL1-related conditions. An algorithm developed to predict the effect of missense changes on protein structure and function (PolyPhen-2) suggests that this variant is likely to be disruptive. In summary, the available evidence is currently insufficient to determine the role of this variant in disease. Therefore, it has been classified as a Variant of Uncertain Significance.

NM_015338.6(ASXL1):c.4357A>C (p.Ser1453Arg)

Gene: ASXL1 (ASXL transcriptional regulator 1; plus strand). Cytogenetic location: 20q11.21.
Variant type: single nucleotide variant.
Coding change: c.4357A>C on transcript NM_015338.6 (MANE Select); coding-DNA position 4357, A replaced by C.
Protein change: p.Ser1453Arg; replaces serine 1453 with arginine.
Molecular consequence: missense variant.
Genome position (GRCh38, 1-based): chr20:32,437,069, A>C. VCF-style: chr20-32437069-A-C. GRCh37 (hg19) VCF-style: chr20-31024872-A-C.
Other names: c.4174A>C, p.Ser1392Arg (NM_001363734.1); short protein forms S1392R, S1453R.
Identifiers: ClinVar variation 3650889 (VCV003650889.2).